The following is an entry in ClinVar:

NM_000038.6(APC):c.5817C>T (p.Asp1939=)

Gene: APC (APC regulator of Wnt signaling pathway; plus strand). Cytogenetic location: 5q22.2.
Variant type: single nucleotide variant.
Coding change: c.5817C>T on transcript NM_000038.6 (MANE Select); coding-DNA position 5817, C replaced by T.
Protein change: p.Asp1939=; no amino-acid change (aspartic acid 1939 retained).
Molecular consequence: synonymous variant. On other transcripts: non-coding transcript variant (2).
Genome position (GRCh38, 1-based): chr5:112,841,411, C>T. VCF-style: chr5-112841411-C-T. GRCh37 (hg19) VCF-style: chr5-112177108-C-T.
Other names: c.5817C>T, p.Asp1939= (NM_001127510.3, NM_001354895.2, NM_001407450.1); c.5763C>T, p.Asp1921= (NM_001127511.3); c.5871C>T, p.Asp1957= (NM_001354896.2, NM_001407447.1, NM_001407448.1 and 1 more transcripts); c.5847C>T, p.Asp1949= (NM_001354897.2); c.5742C>T, p.Asp1914= (NM_001354898.2); c.5733C>T, p.Asp1911= (NM_001354899.2); c.5694C>T, p.Asp1898= (NM_001354900.2); c.5640C>T, p.Asp1880= (NM_001354901.2, NM_001407453.1); and 12 more.
Identifiers: ClinVar variation 3253776 (VCV003253776.4), dbSNP rs1580664287.
Genomic context (GRCh38, chr5:112,841,411, plus strand): 5'-TCGAGGTCAGCCTAAACCCATACTTCAGAAACAATCCACTTTTCCCCAGTCATCCAAAGA[C>T]ATACCAGACAGAGGGGCAGCAACTGATGAAAAGTTACAGAATTTTGCTATTGAAAATACT-3'
Protein context (NP_000029.2, residues 1929-1949): KQSTFPQSSK[Asp1939=]IPDRGAATDE

ClinVar aggregate classification (germline): Benign/Likely benign. Review status: criteria provided, multiple submitters, no conflicts (2 of 4 stars). 3 submissions from 3 submitters: Benign (1); Likely benign (2). Last evaluated 2025-11-29.

Conditions:
Hereditary cancer-predisposing syndrome. Also called: Hereditary neoplastic syndrome; Neoplastic Syndromes, Hereditary; Tumor predisposition; Hereditary Cancer Syndrome. Identifiers: Orphanet 140162, MedGen C0027672, MeSH D009386, MONDO:0015356.
Familial adenomatous polyposis 1 (FAP1). Also called: POLYPOSIS, ADENOMATOUS INTESTINAL; FAMILIAL ADENOMATOUS POLYPOSIS 1, ATTENUATED. Identifiers: MedGen C2713442, MONDO:0021056, OMIM 175100. Disease mechanism: loss of function.

Allele frequency attached by ClinVar (database versions not stated): gnomAD exomes below 0.00001.
gnomAD v4.1: 1 of 1,613,944 alleles (0.000062%); highest among the groups gnomAD compares: Non-Finnish European, 0.000085%; no homozygotes.

Submissions (3):

Ambry Genetics
Classification: Likely benign for Hereditary cancer-predisposing syndrome. Last evaluated: 2025-11-29. Review status: criteria provided, single submitter. Criteria: Ambry Variant Classification Scheme 2023. Collection method: clinical testing. Allele origin: germline.

Labcorp Genetics (formerly Invitae), Labcorp
Classification: Likely benign for Familial adenomatous polyposis 1. Last evaluated: 2024-05-22. Review status: criteria provided, single submitter. Criteria: Invitae Variant Classification Sherloc (09022015). Collection method: clinical testing. Allele origin: germline.

Myriad Genetics, Inc.
Classification: Benign for Familial adenomatous polyposis 1. Last evaluated: 2024-04-02. Review status: criteria provided, single submitter. Criteria: Myriad Autosomal Dominant, Autosomal Recessive and X-Linked Classification Criteria (2023). Collection method: clinical testing. Allele origin: unknown.
Comment: This variant is considered benign. This variant is a silent/synonymous amino acid change and it is not expected to impact splicing.